The following is an entry in ClinVar:

NM_016599.5(MYOZ2):c.88A>G (p.Met30Val)

Gene: MYOZ2 (myozenin 2; plus strand). Cytogenetic location: 4q26.
Variant type: single nucleotide variant.
Coding change: c.88A>G on transcript NM_016599.5 (MANE Select); coding-DNA position 88, A replaced by G.
Protein change: p.Met30Val; replaces methionine 30 with valine.
Molecular consequence: missense variant.
Genome position (GRCh38, 1-based): chr4:119,150,883, A>G. VCF-style: chr4-119150883-A-G. GRCh37 (hg19) VCF-style: chr4-120072038-A-G.
Other names: short protein forms M30V.
Identifiers: ClinVar variation 1765030 (VCV001765030.2), dbSNP rs1561110024, ClinGen allele CA358203402.

ClinVar aggregate classification (germline): Uncertain significance (1 of 4 stars; one submission).

Conditions:
Cardiovascular phenotype. Identifiers: MedGen CN230736.

Allele frequency attached by ClinVar (database versions not stated): gnomAD exomes below 0.00001; TOPMed below 0.00001.
gnomAD v4.1: 2 of 1,613,892 alleles (0.00012%); highest among the groups gnomAD compares: Admixed American, 0.0017%; no homozygotes.

Submission:

Ambry Genetics
Classification: Uncertain significance for Cardiovascular phenotype. Last evaluated: 2020-08-17. Review status: criteria provided, single submitter. Criteria: Ambry Variant Classification Scheme 2023. Collection method: clinical testing. Allele origin: germline.
Comment: The p.M30V variant (also known as c.88A>G), located in coding exon 2 of the MYOZ2 gene, results from an A to G substitution at nucleotide position 88. The methionine at codon 30 is replaced by valine, an amino acid with highly similar properties. This amino acid position is not well conserved in available vertebrate species. In addition, this alteration is predicted to be tolerated by in silico analysis. Since supporting evidence is limited at this time, the clinical significance of this alteration remains unclear.